The following is an entry in ClinVar:

ClinVar aggregate classification (germline): Uncertain significance (1 of 4 stars; one submission).

Submission:

GeneDx
Classification: Uncertain significance. Last evaluated: 2022-02-28. Review status: criteria provided, single submitter. Criteria: GeneDx Variant Classification Process June 2021. Collection method: clinical testing. Allele origin: germline. Affected: yes.
Comment: Not observed at significant frequency in large population cohorts (gnomAD); In silico analysis supports that this missense variant has a deleterious effect on protein structure/function; Has not been previously published as pathogenic or benign to our knowledge

NM_001205293.3(CACNA1E):c.521C>A (p.Ala174Asp)

Gene: CACNA1E (calcium voltage-gated channel subunit alpha1 E; plus strand). Cytogenetic location: 1q25.3.
Variant type: single nucleotide variant.
Coding change: c.521C>A on transcript NM_001205293.3 (MANE Select); coding-DNA position 521, C replaced by A.
Protein change: p.Ala174Asp; replaces alanine 174 with aspartic acid.
Molecular consequence: missense variant.
Genome position (GRCh38, 1-based): chr1:181,577,774, C>A. VCF-style: chr1-181577774-C-A. GRCh37 (hg19) VCF-style: chr1-181546910-C-A.
Other names: c.521C>A, p.Ala174Asp (NM_000721.4, NM_001205294.2); short protein forms A174D.
Identifiers: ClinVar variation 1704002 (VCV001704002.2), dbSNP rs1295181664, ClinGen allele CA343846699.